The following is an entry in ClinVar:

ClinVar aggregate classification (germline): Uncertain significance. Review status: criteria provided, multiple submitters, no conflicts (2 of 4 stars). 2 submissions from 2 submitters: Uncertain significance (2). Last evaluated 2024-09-22.

Conditions:
Intellectual developmental disorder with cardiac defects and dysmorphic facies (IDDCDF). Identifiers: Orphanet 562569, MedGen C5193024, MONDO:0032672, OMIM 618316.

Allele frequency attached by ClinVar (database versions not stated): gnomAD exomes below 0.00001 and 0.00001; ExAC 0.00001; gnomAD 0.00001; TOPMed 0.00002; ESP Exome Variant Server 0.00008.
gnomAD v4.1: 15 of 1,609,860 alleles (0.00093%); highest among the groups gnomAD compares: East Asian, 0.0022%; no homozygotes.

Submissions (2):

Genomic Medicine Center of Excellence, King Faisal Specialist Hospital and Research Centre
Classification: Uncertain significance for Intellectual developmental disorder with cardiac defects and dysmorphic facies. Last evaluated: 2024-09-22. Review status: criteria provided, single submitter. Criteria: ACMG Guidelines, 2015. Collection method: clinical testing. Allele origin: germline.

Baylor Genetics
Classification: Uncertain significance for Intellectual developmental disorder with cardiac defects and dysmorphic facies. Last evaluated: 2019-11-08. Review status: criteria provided, single submitter. Criteria: ACMG Guidelines, 2015. Collection method: clinical testing. Allele origin: unknown. Affected: yes.
Comment: This variant was determined to be of uncertain significance according to ACMG Guidelines, 2015 [PMID:25741868].

NM_014738.6(TMEM94):c.1861G>A (p.Val621Met)

Gene: TMEM94 (transmembrane protein 94; plus strand). Cytogenetic location: 17q25.1.
Variant type: single nucleotide variant.
Coding change: c.1861G>A on transcript NM_014738.6 (MANE Select); coding-DNA position 1861, G replaced by A.
Protein change: p.Val621Met; replaces valine 621 with methionine.
Molecular consequence: missense variant.
Genome position (GRCh38, 1-based): chr17:75,492,738, G>A. VCF-style: chr17-75492738-G-A. GRCh37 (hg19) VCF-style: chr17-73488819-G-A.
Other names: c.1891G>A, p.Val631Met (NM_001351203.2, NM_001321148.2); c.1873G>A, p.Val625Met (NM_001321149.2); c.1813G>A, p.Val605Met (NM_001351202.2); short protein forms V625M, V621M, V605M, V631M.
Identifiers: ClinVar variation 1031302 (VCV001031302.2), dbSNP rs374436256, ClinGen allele CA8761969.